The following is an entry in ClinVar:

ClinVar aggregate classification (germline): Conflicting classifications of pathogenicity. Review status: criteria provided, conflicting classifications (1 of 4 stars). 2 submissions from 2 submitters: Likely pathogenic (1); Uncertain significance (1). Last evaluated 2026-09-08.

Conditions:
Fabry disease. Also called: Ceramide trihexosidosis; Fabry's disease; ALPHA-GALACTOSIDASE A DEFICIENCY; ANDERSON-FABRY DISEASE; CERAMIDE TRIHEXOSIDASE DEFICIENCY; GLA DEFICIENCY. Identifiers: Orphanet 324, MedGen C0002986, MONDO:0010526, OMIM 301500, HP:0001071. Disease mechanism: Fabry disease is due to inactivating mutations in the X-linked GLA gene resulting in deficiency of the enzyme Alpha Galactosidase-A., loss of function.

Submissions (2):

Genomenon, Inc
Classification: Likely pathogenic for Fabry disease. Last evaluated: 2026-09-08. Review status: criteria provided, single submitter. Criteria: Genomenon Sequence Variant Interpretation Standards - Updated. Collection method: curation. Allele origin: germline. Affected: no.
Comment: GLA p.Glu203Asp (c.609G>C) is a missense variant that changes the amino acid at codon 203 from Glutamic acid to Aspartic acid. To our knowledge, this variant has not been reported in patients affected with Fabry disease in the published literature. At least one functional study has demonstrated a substantial alteration in protein function relative to the wild-type (PMID:27657681). This variant is located in a mutational hotspot and/or important functional domain. It is absent or not present at a significant frequency in gnomAD. In silico models predict that this variant is possibly or probably damaging. In conclusion, we classify GLA p.Glu203Asp (c.609G>C) as a likely pathogenic variant.

Labcorp Genetics (formerly Invitae), Labcorp
Classification: Uncertain significance for Fabry disease. Last evaluated: 2024-05-10. Review status: criteria provided, single submitter. Criteria: Invitae Variant Classification Sherloc (09022015). Collection method: clinical testing. Allele origin: germline.
Comment: This sequence change replaces glutamic acid, which is acidic and polar, with aspartic acid, which is acidic and polar, at codon 203 of the GLA protein (p.Glu203Asp). This variant is not present in population databases (gnomAD no frequency). This missense change has been observed in individual(s) with clinical features of Fabry disease (Invitae). Advanced modeling of protein sequence and biophysical properties (such as structural, functional, and spatial information, amino acid conservation, physicochemical variation, residue mobility, and thermodynamic stability) performed at Invitae indicates that this missense variant is expected to disrupt GLA protein function with a positive predictive value of 80%. This variant disrupts the p.Glu203 amino acid residue in GLA. Other variant(s) that disrupt this residue have been observed in individuals with GLA-related conditions (PMID: 30386727; Invitae), which suggests that this may be a clinically significant amino acid residue. In summary, the available evidence is currently insufficient to determine the role of this variant in disease. Therefore, it has been classified as a Variant of Uncertain Significance.

Literature cited by the submitters: PubMed 27657681 (cited by Genomenon, Inc); PubMed 30386727 (cited by Labcorp Genetics (formerly Invitae), Labcorp).

NM_000169.3(GLA):c.609G>C (p.Glu203Asp)

Genes: GLA (galactosidase alpha; minus strand), RPL36A-HNRNPH2 (RPL36A-HNRNPH2 readthrough; plus strand). Cytogenetic location: Xq22.1.
Variant type: single nucleotide variant.
Coding change: c.609G>C on transcript NM_000169.3 (MANE Select); coding-DNA position 609, G replaced by C.
Protein change: p.Glu203Asp; replaces glutamic acid 203 with aspartic acid.
Molecular consequence: missense variant. On other transcripts: non-coding transcript variant (2), intron variant (2).
Genome position (GRCh38, 1-based): chrX:101,400,696, C>G on the plus strand (G>C on the coding strand, the complement: GLA is on the minus strand). VCF-style: chrX-101400696-C-G. GRCh37 (hg19) VCF-style: chrX-100655684-C-G.
Other names: c.732G>C, p.Glu244Asp (NM_001406747.1); c.609G>C, p.Glu203Asp (NM_001406748.1); c.300+5239C>G (NM_001199973.2); c.177+8874C>G (NM_001199974.2); short protein forms E203D, E244D.
Identifiers: ClinVar variation 3652966 (VCV003652966.4).